The following is an entry in ClinVar:

NM_000108.5(DLD):c.89_90del (p.Val30fs)

Gene: DLD (dihydrolipoamide dehydrogenase; plus strand). Cytogenetic location: 7q31.1.
Variant type: Deletion.
Coding change: c.89_90del on transcript NM_000108.5 (MANE Select); coding-DNA positions 89 to 90, 2 bases deleted (TG; older notation c.89_90delTG).
Protein change: p.Val30fs; shifts the reading frame from valine 30.
Molecular consequence: frameshift variant. On other transcripts: 5 prime UTR variant (1).
Genome position (GRCh38, 1-based): chr7:107,893,249-107,893,250, TG deleted; deleting any 2 consecutive bases within chr7:107,893,248-107,893,250 gives the same sequence; the c. name uses the placement nearest the transcript's 3' end. VCF-style (leftmost placement, unchanged base first): chr7-107893247-AGT-A. GRCh37 (hg19) VCF-style: chr7-107533692-AGT-A.
Other names: c.-60_-59del (NM_001289750.1); c.89_90del, p.Val30fs (NM_001289751.1, NM_001289752.1); short protein forms V30fs.
Identifiers: ClinVar variation 5014221 (VCV005014221.1).

ClinVar aggregate classification (germline): Pathogenic (1 of 4 stars; one submission).

Conditions:
Pyruvate dehydrogenase E3 deficiency (DLDD). Also called: Dihydrolipoamide Dehydrogenase (E3) Deficiency; DLD DEFICIENCY; E3 DEFICIENCY; Dihydrolipoamide Dehydrogenase E3 Deficiency; MAPLE SYRUP URINE DISEASE, TYPE III; Lipoamide dehydrogenase deficiency, lactic acidosis due to. Identifiers: Orphanet 2394, Orphanet 765, MedGen C5574660, MONDO:0009529, OMIM 246900.

Submission:

Myriad Genetics, Inc.
Classification: Pathogenic for Pyruvate dehydrogenase E3 deficiency. Last evaluated: 2025-03-15. Review status: criteria provided, single submitter. Criteria: Myriad Autosomal Dominant, Autosomal Recessive and X-Linked Classification Criteria (2023). Collection method: clinical testing. Allele origin: unknown.
Comment: NM_000108.3(DLD):c.89_90delTG(V30Afs*11) is expected to be pathogenic in the context of dihydrolipoamide dehydrogenase deficiency. This variant is predicted to lead to an abnormal or absent protein product due to the creation of a premature termination codon in DLD, a gene where loss-of-function variants are known to be pathogenic. Please note: this variant was assessed in the context of healthy population screening.